The following is an entry in ClinVar:

NM_017431.4(PRKAG3):c.1445C>T (p.Ala482Val)

Genes: PRKAG3 (protein kinase AMP-activated non-catalytic subunit gamma 3; minus strand), LOC126806514 (CDK7 strongly-dependent group 2 enhancer GRCh37_chr2:219687585-219688784; plus strand). Cytogenetic location: 2q35.
Variant type: single nucleotide variant.
Coding change: c.1445C>T on transcript NM_017431.4 (MANE Select); coding-DNA position 1445, C replaced by T.
Protein change: p.Ala482Val; replaces alanine 482 with valine.
Molecular consequence: missense variant.
Genome position (GRCh38, 1-based): chr2:218,823,787, G>A on the plus strand (C>T on the coding strand, the complement: PRKAG3 is on the minus strand). VCF-style: chr2-218823787-G-A. GRCh37 (hg19) VCF-style: chr2-219688510-G-A.
Other names: short protein forms A482V.
Identifiers: ClinVar variation 3041896 (VCV003041896.2), dbSNP rs34720726, ClinGen allele CA2112972.

ClinVar aggregate classification (germline): Benign (0 of 4 stars; one submission).

Conditions:
PRKAG3-related disorder. Also called: PRKAG3-related condition.

Allele frequency attached by ClinVar (database versions not stated): gnomAD exomes 0.00069; ExAC 0.00192; gnomAD 0.00576; ESP Exome Variant Server 0.00592; TOPMed 0.00629; 1000 Genomes Project 0.00639; 1000 Genomes Project 30x 0.00734.
gnomAD v4.1: 1,951 of 1,614,120 alleles (0.12%); highest among the groups gnomAD compares: African/African-American, 2.1%; 18 homozygotes.

Submission:

PreventionGenetics, part of Exact Sciences
Classification: Benign for PRKAG3-related condition. Last evaluated: 2019-11-25. Review status: no assertion criteria provided. Collection method: clinical testing. Allele origin: germline.
Comment: This variant is classified as benign based on ACMG/AMP sequence variant interpretation guidelines (Richards et al. 2015 PMID: 25741868, with internal and published modifications).